The following is an entry in ClinVar:

NM_000181.4(GUSB):c.871T>A (p.Tyr291Asn)

Gene: GUSB (glucuronidase beta; minus strand). Cytogenetic location: 7q11.21.
Variant type: single nucleotide variant.
Coding change: c.871T>A on transcript NM_000181.4 (MANE Select); coding-DNA position 871, T replaced by A.
Protein change: p.Tyr291Asn; replaces tyrosine 291 with asparagine.
Molecular consequence: missense variant. On other transcripts: non-coding transcript variant (1), intron variant (1).
Genome position (GRCh38, 1-based): chr7:65,976,056, A>T on the plus strand (T>A on the coding strand, the complement: GUSB is on the minus strand). VCF-style: chr7-65976056-A-T. GRCh37 (hg19) VCF-style: chr7-65441043-A-T.
Other names: c.871T>A (NM_000181.3); c.301T>A, p.Tyr101Asn (NM_001293104.2); c.214T>A, p.Tyr72Asn (NM_001293105.2); c.475-985T>A (NM_001284290.2); short protein forms Y101N, Y72N, Y291N.
Identifiers: ClinVar variation 1368162 (VCV001368162.5), dbSNP rs760452541, ClinGen allele CA4276501.

ClinVar aggregate classification (germline): Uncertain significance. Review status: criteria provided, multiple submitters, no conflicts (2 of 4 stars). 2 submissions from 2 submitters: Uncertain significance (2). Last evaluated 2025-06-06.

Conditions:
Mucopolysaccharidosis type 7 (MPS7). Also called: BETA-GLUCURONIDASE DEFICIENCY; SLY SYNDROME; GUSB DEFICIENCY; MPS VII. Identifiers: Orphanet 584, MedGen C0085132, MONDO:0009662, OMIM 253220.
Inborn genetic diseases. Identifiers: MedGen C0950123, MeSH D030342.

Allele frequency attached by ClinVar (database versions not stated): gnomAD exomes below 0.00001 and 0.00001; ExAC 0.00001; gnomAD 0.00006; TOPMed 0.00007.
gnomAD v4.1: 16 of 1,613,726 alleles (0.00099%); highest among the groups gnomAD compares: African/African-American, 0.016%; no homozygotes.

Submissions (2):

Ambry Genetics
Classification: Uncertain significance for Inborn genetic diseases. Last evaluated: 2025-06-06. Review status: criteria provided, single submitter. Criteria: Ambry Variant Classification Scheme 2023. Collection method: clinical testing. Allele origin: germline.

Labcorp Genetics (formerly Invitae), Labcorp
Classification: Uncertain significance for Mucopolysaccharidosis type 7. Last evaluated: 2021-10-12. Review status: criteria provided, single submitter. Criteria: Invitae Variant Classification Sherloc (09022015). Collection method: clinical testing. Allele origin: germline.
Comment: This sequence change replaces tyrosine with asparagine at codon 291 of the GUSB protein (p.Tyr291Asn). The tyrosine residue is highly conserved and there is a large physicochemical difference between tyrosine and asparagine. This variant is present in population databases (rs760452541, ExAC 0.01%). This variant has not been reported in the literature in individuals affected with GUSB-related conditions. Algorithms developed to predict the effect of missense changes on protein structure and function are either unavailable or do not agree on the potential impact of this missense change (SIFT: "Tolerated"; PolyPhen-2: "Probably Damaging"; Align-GVGD: "Class C0"). In summary, the available evidence is currently insufficient to determine the role of this variant in disease. Therefore, it has been classified as a Variant of Uncertain Significance.